The following is an entry in ClinVar:

NM_000143.4(FH):c.67G>A (p.Ala23Thr)

Gene: FH (fumarate hydratase; minus strand). Cytogenetic location: 1q43.
Variant type: single nucleotide variant.
Coding change: c.67G>A on transcript NM_000143.4 (MANE Select); coding-DNA position 67, G replaced by A.
Protein change: p.Ala23Thr; replaces alanine 23 with threonine.
Molecular consequence: missense variant.
Genome position (GRCh38, 1-based): chr1:241,519,656, C>T on the plus strand (G>A on the coding strand, the complement: FH is on the minus strand). VCF-style: chr1-241519656-C-T. GRCh37 (hg19) VCF-style: chr1-241682956-C-T.
Other names: short protein forms A23T.
Identifiers: ClinVar variation 826631 (VCV000826631.14), dbSNP rs1573889943, ClinGen allele CA345442855.

ClinVar aggregate classification (germline): Uncertain significance. Review status: criteria provided, multiple submitters, no conflicts (2 of 4 stars). 3 submissions from 3 submitters: Uncertain significance (2). 1 of the submissions does not count toward it. Last evaluated 2025-03-20.

Conditions:
Hereditary cancer-predisposing syndrome. Also called: Neoplastic Syndromes, Hereditary; Hereditary Cancer Syndrome; Hereditary neoplastic syndrome; Tumor predisposition. Identifiers: Orphanet 140162, MedGen C0027672, MeSH D009386, MONDO:0015356.
Fumarase deficiency (FMRD). Also called: Fumarate Hydratase Deficiency; Fumaric aciduria. Identifiers: Orphanet 24, MedGen C0342770, MONDO:0011730, OMIM 606812.

Allele frequency attached by ClinVar (database versions not stated): gnomAD exomes below 0.00001.
gnomAD v4.1: 1 of 1,548,060 alleles (0.000065%); highest among the groups gnomAD compares: Non-Finnish European, 0.000087%; no homozygotes.

Submissions (3):

Labcorp Genetics (formerly Invitae), Labcorp
Classification: Uncertain significance. Last evaluated: 2025-03-20. Review status: criteria provided, single submitter. Criteria: Invitae Variant Classification Sherloc (09022015). Collection method: clinical testing. Allele origin: germline.
Comment: This sequence change replaces alanine, which is neutral and non-polar, with threonine, which is neutral and polar, at codon 23 of the FH protein (p.Ala23Thr). This variant is not present in population databases (gnomAD no frequency). This variant has not been reported in the literature in individuals affected with FH-related conditions. ClinVar contains an entry for this variant (Variation ID: 826631). Invitae Evidence Modeling of protein sequence and biophysical properties (such as structural, functional, and spatial information, amino acid conservation, physicochemical variation, residue mobility, and thermodynamic stability) indicates that this missense variant is not expected to disrupt FH protein function with a negative predictive value of 95%. In summary, the available evidence is currently insufficient to determine the role of this variant in disease. Therefore, it has been classified as a Variant of Uncertain Significance.

Ambry Genetics
Classification: Uncertain significance for Hereditary cancer-predisposing syndrome. Last evaluated: 2024-11-28. Review status: criteria provided, single submitter. Criteria: Ambry Variant Classification Scheme 2023. Collection method: clinical testing. Allele origin: germline.
Comment: The p.A23T variant (also known as c.67G>A), located in coding exon 1 of the FH gene, results from a G to A substitution at nucleotide position 67. The alanine at codon 23 is replaced by threonine, an amino acid with similar properties. This amino acid position is conserved on limited sequence alignment. In addition, this alteration is predicted to be tolerated by in silico analysis. Since supporting evidence is limited at this time, the clinical significance of this alteration remains unclear.

Natera, Inc.
Classification: Uncertain significance for Fumarase Deficiency. Last evaluated: 2021-05-26. Review status: no assertion criteria provided. Collection method: clinical testing. Allele origin: germline. Not counted in ClinVar's aggregate classification.